The following is an entry in ClinVar:

NM_007294.4(BRCA1):c.5467+4A>C

Gene: BRCA1 (BRCA1 DNA repair associated; minus strand). Cytogenetic location: 17q21.31.
Variant type: single nucleotide variant.
Coding change: c.5467+4A>C on transcript NM_007294.4 (MANE Select); 4 bases into the intron after coding-DNA position 5467, A replaced by C.
Molecular consequence: intron variant.
Genome position (GRCh38, 1-based): chr17:43,047,639, T>G on the plus strand (A>C on the coding strand, the complement: BRCA1 is on the minus strand). VCF-style: chr17-43047639-T-G. GRCh37 (hg19) VCF-style: chr17-41199656-T-G.
Other names: c.2014+4A>C (NM_001408458.1, NM_001408461.1, NM_001408464.1 and 7 more transcripts); c.4576+4A>C (NM_001407967.1); c.5086+4A>C (NM_001407959.1); c.5200+4A>C (NM_001407931.1, NM_001407932.1, NM_001407928.1 and 4 more transcripts); c.5323+4A>C (NM_001407747.1, NM_001407745.1, NM_001407737.1 and 18 more transcripts); c.5083+4A>C (NM_001407962.1, NM_001407960.1); c.1654+4A>C (NM_001408512.1); c.1777+4A>C (NM_001408510.1); and 83 more.
Identifiers: ClinVar variation 864880 (VCV000864880.3), dbSNP rs1555574692, ClinGen allele CA916080770.

Conditions:
Breast-ovarian cancer, familial, susceptibility to, 1 (BROVCA1). Also called: BRCA1 Hereditary Breast and Ovarian Cancer; OVARIAN CANCER, SUSCEPTIBILITY TO. Identifiers: Orphanet 145, MedGen C2676676, MONDO:0011450, OMIM 604370. Disease mechanism: loss of function.

Submission:

Brotman Baty Institute, University of Washington
No classification provided (evidence only). Condition: Breast-ovarian cancer, familial 1. Review status: no classification provided. Collection method: in vitro. Allele origin: not applicable. Functional consequence: functionally_abnormal.
ClinVar note: "not provided" was previously submitted as the classification for the variant. However, the classification appeared to be based only on an observation of functional data so it was converted to no classification on 2025-07-30.